The following is an entry in ClinVar:

ClinVar aggregate classification (germline): Uncertain significance (1 of 4 stars; one submission).

Conditions:
Tuberous sclerosis 1 (TSC1). Identifiers: Orphanet 805, MedGen C1854465, MONDO:0008612, OMIM 191100.

Submission:

Labcorp Genetics (formerly Invitae), Labcorp
Classification: Uncertain significance for Tuberous sclerosis 1. Last evaluated: 2020-06-22. Review status: criteria provided, single submitter. Criteria: Invitae Variant Classification Sherloc (09022015). Collection method: clinical testing. Allele origin: germline.
Comment: In summary, the available evidence is currently insufficient to determine the role of this variant in disease. Therefore, it has been classified as a Variant of Uncertain Significance. Algorithms developed to predict the effect of missense changes on protein structure and function (SIFT, PolyPhen-2, Align-GVGD) all suggest that this variant is likely to be tolerated, but these predictions have not been confirmed by published functional studies and their clinical significance is uncertain. This variant has not been reported in the literature in individuals with TSC1-related conditions. This variant is not present in population databases (ExAC no frequency). This sequence change replaces histidine with tyrosine at codon 436 of the TSC1 protein (p.His436Tyr). The histidine residue is weakly conserved and there is a moderate physicochemical difference between histidine and tyrosine.

NM_000368.5(TSC1):c.1306C>T (p.His436Tyr)

Gene: TSC1 (TSC complex subunit 1; minus strand). Cytogenetic location: 9q34.13.
Variant type: single nucleotide variant.
Coding change: c.1306C>T on transcript NM_000368.5 (MANE Select); coding-DNA position 1306, C replaced by T.
Protein change: p.His436Tyr; replaces histidine 436 with tyrosine.
Molecular consequence: missense variant.
Genome position (GRCh38, 1-based): chr9:132,907,328, G>A on the plus strand (C>T on the coding strand, the complement: TSC1 is on the minus strand). VCF-style: chr9-132907328-G-A. GRCh37 (hg19) VCF-style: chr9-135782715-G-A.
Other names: c.1303C>T, p.His435Tyr (NM_001162426.2); c.1153C>T, p.His385Tyr (NM_001162427.2); c.943C>T, p.His315Tyr (NM_001362177.2); short protein forms H315Y, H385Y, H435Y, H436Y.
Identifiers: ClinVar variation 1050886 (VCV001050886.9), dbSNP rs1845725716, ClinGen allele CA375366135.
Genomic context (GRCh38, chr9:132,907,328, plus strand): 5'-CAAGCAAGGCCTGTAGTAACGCAGAAATTTTACCTGATCCTCTGTCATTCAGAAGATGGT[G>A]TTGTCTGTGTAGACATGGTCTTGCAGAATCCATTCTCTCTTCCTGAAAAGATAAGTATCA-3'
Protein context (NP_000359.1, residues 426-446): DSARPCLHRQ[His436Tyr]HLLNDRGSEE